The following is an entry in ClinVar:

NM_001363711.2(DUOX2):c.4097C>T (p.Pro1366Leu)

Gene: DUOX2 (dual oxidase 2; minus strand). Cytogenetic location: 15q21.1.
Variant type: single nucleotide variant.
Coding change: c.4097C>T on transcript NM_001363711.2 (MANE Select); coding-DNA position 4097, C replaced by T.
Protein change: p.Pro1366Leu; replaces proline 1366 with leucine.
Molecular consequence: missense variant.
Genome position (GRCh38, 1-based): chr15:45,095,579, G>A on the plus strand (C>T on the coding strand, the complement: DUOX2 is on the minus strand). VCF-style: chr15-45095579-G-A. GRCh37 (hg19) VCF-style: chr15-45387777-G-A.
Other names: c.4097C>T, p.Pro1366Leu (NM_014080.5); c.4097C>T (NM_014080.4); short protein forms P1366L.
Identifiers: ClinVar variation 2195461 (VCV002195461.7), dbSNP rs201451019, ClinGen allele CA7537621.

ClinVar aggregate classification (germline): Uncertain significance. Review status: criteria provided, multiple submitters, no conflicts (2 of 4 stars). 5 submissions from 5 submitters: Uncertain significance (5). Last evaluated 2024-11-13.

Conditions:
Inborn genetic diseases. Identifiers: MedGen C0950123, MeSH D030342.
Thyroid dyshormonogenesis 6 (TDH6). Also called: HYPOTHYROIDISM, CONGENITAL, DUE TO DYSHORMONOGENESIS, 6; Genetic transient congenital hypothyroidism; THYROID HORMONOGENESIS, GENETIC DEFECT IN, 6. Identifiers: Orphanet 226316, Orphanet 95716, MedGen C1846632, MONDO:0011792, OMIM 607200.

Allele frequency attached by ClinVar (database versions not stated): ESP Exome Variant Server 0.00008; ExAC 0.00009; TOPMed 0.00012; gnomAD exomes 0.00013; 1000 Genomes Project 30x 0.00016; gnomAD 0.00017; 1000 Genomes Project 0.00020.

Submissions (5):

Labcorp Genetics (formerly Invitae), Labcorp
Classification: Uncertain significance. Last evaluated: 2024-11-13. Review status: criteria provided, single submitter. Criteria: Invitae Variant Classification Sherloc (09022015). Collection method: clinical testing. Allele origin: germline.
Comment: This sequence change replaces proline, which is neutral and non-polar, with leucine, which is neutral and non-polar, at codon 1366 of the DUOX2 protein (p.Pro1366Leu). This variant is present in population databases (rs201451019, gnomAD 0.01%). This variant has not been reported in the literature in individuals affected with DUOX2-related conditions. ClinVar contains an entry for this variant (Variation ID: 2195461). Invitae Evidence Modeling of protein sequence and biophysical properties (such as structural, functional, and spatial information, amino acid conservation, physicochemical variation, residue mobility, and thermodynamic stability) indicates that this missense variant is expected to disrupt DUOX2 protein function with a positive predictive value of 80%. In summary, the available evidence is currently insufficient to determine the role of this variant in disease. Therefore, it has been classified as a Variant of Uncertain Significance.

GeneDx
Classification: Uncertain significance. Last evaluated: 2023-07-12. Review status: criteria provided, single submitter. Criteria: GeneDx Variant Classification Process June 2021. Collection method: clinical testing. Allele origin: germline. Affected: yes.
Comment: In silico analysis supports that this missense variant has a deleterious effect on protein structure/function; Has not been previously published as pathogenic or benign to our knowledge

Baylor Genetics
Classification: Uncertain significance for Thyroid dyshormonogenesis 6. Last evaluated: 2022-03-09. Review status: criteria provided, single submitter. Criteria: ACMG Guidelines, 2015. Collection method: clinical testing. Allele origin: unknown.

Ambry Genetics
Classification: Uncertain significance for Inborn genetic diseases. Last evaluated: 2021-07-06. Review status: criteria provided, single submitter. Criteria: Ambry Variant Classification Scheme 2023. Collection method: clinical testing. Allele origin: germline.

Juno Genomics, Hangzhou Juno Genomics, Inc
Classification: Uncertain significance for Thyroid dyshormonogenesis 6. Review status: criteria provided, single submitter. Criteria: ACMG Guidelines, 2015. Collection method: clinical testing. Allele origin: germline.
Comment: Absent from controls (or at extremely low frequency if recessive) in Genome Aggregation Database.;Multiple lines of computational evidence support a deleterious effect on the gene or gene product.